The following is an entry in ClinVar:

NM_024642.5(GALNT12):c.1414del (p.His472fs)

Gene: GALNT12 (polypeptide N-acetylgalactosaminyltransferase 12; plus strand). Cytogenetic location: 9q22.33.
Variant type: Deletion.
Coding change: c.1414del on transcript NM_024642.5 (MANE Select); coding-DNA position 1414, one base deleted (C; older notation c.1414delC).
Protein change: p.His472fs; shifts the reading frame from histidine 472.
Molecular consequence: frameshift variant.
Genome position (GRCh38, 1-based): chr9:98,844,165, C deleted. VCF-style (leftmost placement, unchanged base first): chr9-98844164-AC-A. GRCh37 (hg19) VCF-style: chr9-101606446-AC-A.
Other names: short protein forms H472fs.
Identifiers: ClinVar variation 1772104 (VCV001772104.2), dbSNP rs2490552513, ClinGen allele CA2579399399.
Genomic context (GRCh38, chr9:98,844,164, plus strand): 5'-CAAAGGACTAACAGACTACTGCTTTGACTATAACCCTCCCGATGAAAACCAGATTGTGGG[AC>A]ACCAGGTCATTCTGTACCTCTGTCATGGGATGGGCCAGAATCAGGTAGGTATGAGCCTCA-3'

ClinVar aggregate classification (germline): Uncertain significance (1 of 4 stars; one submission).

Submission:

Ambry Genetics
Classification: Uncertain significance. Last evaluated: 2022-04-11. Review status: criteria provided, single submitter. Criteria: Ambry Variant Classification Scheme 2023. Collection method: clinical testing. Allele origin: germline.
Comment: The c.1414delC variant, located in coding exon 8 of the GALNT12 gene, results from a deletion of one nucleotide at nucleotide position 1414, causing a translational frameshift with a predicted alternate stop codon (p.H472Tfs*137). This alteration occurs at the 3' terminus of theGALNT12 gene, is not expected to trigger nonsense-mediated mRNAdecay, and only impacts the last 110 amino acids of the protein. The exact functional effect of this alteration is unknown. The evidence for this gene-disease relationship is limited; therefore, the clinical significance of this alteration is unclear.